The following is an entry in ClinVar:

NM_001273.5(CHD4):c.4822G>A (p.Val1608Ile)

Genes: CHD4 (chromodomain helicase DNA binding protein 4; minus strand), CHD4-AS1 (CHD4 antisense RNA 1; plus strand). Cytogenetic location: 12p13.31.
Variant type: single nucleotide variant.
Coding change: c.4822G>A on transcript NM_001273.5 (MANE Select); coding-DNA position 4822, G replaced by A.
Protein change: p.Val1608Ile; replaces valine 1608 with isoleucine.
Molecular consequence: missense variant.
Genome position (GRCh38, 1-based): chr12:6,581,131, C>T on the plus strand (G>A on the coding strand, the complement: CHD4 is on the minus strand). VCF-style: chr12-6581131-C-T. GRCh37 (hg19) VCF-style: chr12-6690297-C-T.
Other names: NC_000012.11:g.6690297C>T; c.4801G>A, p.Val1601Ile (NM_001297553.2); c.4783G>A, p.Val1595Ile (NM_001363606.2); short protein forms V1608I, V1595I, V1601I.
Identifiers: ClinVar variation 266123 (VCV000266123.13), dbSNP rs201992075, ClinGen allele CA6411419.

ClinVar aggregate classification (germline): Conflicting classifications of pathogenicity. Review status: criteria provided, conflicting classifications (1 of 4 stars). 3 submissions from 3 submitters: Uncertain significance (1); Benign (1). 1 of the submissions does not count toward it. Last evaluated 2019-12-04.

Conditions:
Sifrim-Hitz-Weiss syndrome (SIHIWES). Also called: SIFRIM-HITZ-WEISS MULTIPLE CONGENITAL ANOMALIES-MENTAL RETARDATION SYNDROME; CHD4 Neurodevelopmental Disorder. Identifiers: Orphanet 653712, MedGen C4310688, MONDO:0014946, OMIM 617159.

Allele frequency attached by ClinVar (database versions not stated): TOPMed 0.00002; gnomAD 0.00005; ExAC 0.00007.
gnomAD v4.1: 67 of 1,614,134 alleles (0.0042%); highest among the groups gnomAD compares: Middle Eastern, 0.066%; no homozygotes.

Submissions (4):

Centre for Mendelian Genomics, University Medical Centre Ljubljana
Classification: Uncertain significance for Sifrim-Hitz-Weiss syndrome. Last evaluated: 2019-12-04. Review status: criteria provided, single submitter. Criteria: ACMG Guidelines, 2015. Collection method: clinical testing. Allele origin: unknown. Affected: yes.
Comment: This variant was classified as: Uncertain significance. The available evidence on this variant's pathogenicity is insufficient or conflicting. The following ACMG criteria were applied in classifying this variant: PM6,PP5,BP4.

Savagenome Genetic Health Clinic, Tarbiat Modares University
Classification: Benign for Sifrim-Hitz-Weiss syndrome. Last evaluated: 2019-07-23. Review status: criteria provided, single submitter. Criteria: ACMG Guidelines, 2015. Collection method: clinical testing. Allele origin: somatic. Inheritance: Autosomal dominant inheritance. Affected: no. Observed: 1 heterozygote.
Comment: The c.4822G>A (p.Val1608Ile) variant in CHD4 Gene has been previously reported as a pathogenic variant in clinvar (variation ID: 266123) and citation for this variant is one article with PMID: 27479907 number.

OMIM
Classification: Pathogenic for SIFRIM-HITZ-WEISS SYNDROME. Last evaluated: 2025-03-14. Review status: no assertion criteria provided. Collection method: literature only. Allele origin: germline. Not counted in ClinVar's aggregate classification.

Dr. Peter K. Rogan Lab, Western University
No classification provided (evidence only). Condition: Glioma susceptibility 1. Review status: no classification provided. Collection method: in vitro. Allele origin: not applicable. Functional consequence: retained intron. Not counted in ClinVar's aggregate classification.

Literature cited by the submitters: PubMed 27479907 (cited by OMIM).